The following is an entry in ClinVar:

NM_138694.4(PKHD1):c.1910A>G (p.Asn637Ser)

Gene: PKHD1 (PKHD1 ciliary IPT domain containing fibrocystin/polyductin; minus strand). Cytogenetic location: 6p12.2.
Variant type: single nucleotide variant.
Coding change: c.1910A>G on transcript NM_138694.4 (MANE Select); coding-DNA position 1910, A replaced by G.
Protein change: p.Asn637Ser; replaces asparagine 637 with serine.
Molecular consequence: missense variant.
Genome position (GRCh38, 1-based): chr6:52,054,092, T>C on the plus strand (A>G on the coding strand, the complement: PKHD1 is on the minus strand). VCF-style: chr6-52054092-T-C. GRCh37 (hg19) VCF-style: chr6-51918890-T-C.
Other names: c.1910A>G, p.Asn637Ser (NM_170724.3); short protein forms N637S.
Identifiers: ClinVar variation 2502020 (VCV002502020.2), dbSNP rs773436208, ClinGen allele CA3853398.

ClinVar aggregate classification (germline): Uncertain significance (1 of 4 stars; one submission).

Allele frequency attached by ClinVar (database versions not stated): ExAC 0.00001; gnomAD 0.00001; gnomAD exomes 0.00001; TOPMed 0.00002.
gnomAD v4.1: 4 of 1,613,932 alleles (0.00025%); highest among the groups gnomAD compares: African/African-American, 0.0053%; no homozygotes.

Submission:

GeneDx
Classification: Uncertain significance. Last evaluated: 2024-07-10. Review status: criteria provided, single submitter. Criteria: GeneDx Variant Classification Process June 2021. Collection method: clinical testing. Allele origin: germline.
Comment: Not observed at significant frequency in large population cohorts (gnomAD); In silico analysis indicates that this missense variant does not alter protein structure/function; Has not been previously published as pathogenic or benign to our knowledge